The following is an entry in ClinVar:

NM_001130823.3(DNMT1):c.2211GAA[5] (p.Lys741dup)

Gene: DNMT1 (DNA methyltransferase 1; minus strand). Cytogenetic location: 19p13.2.
Variant type: Microsatellite.
Coding change: c.2211GAA[5] on transcript NM_001130823.3 (MANE Select); five copies in a row of the 3-base unit GAA starting at c.2211; the reference has four copies in a row; one copy, 3 bases duplicated; also written c.2220_2222dup.
Protein change: p.Lys741dup; duplicates lysine 741.
Molecular consequence: inframe insertion.
Genome position (GRCh38, 1-based): chr19:10,151,441-10,151,443, TTC duplicated on the plus strand (GAA on the coding strand, the reverse complement: DNMT1 is on the minus strand); duplicating any 3 consecutive bases within chr19:10,151,441-10,151,452 gives the same sequence; the position shown is the placement nearest the transcript's 3' end. VCF-style (leftmost placement, unchanged base first): chr19-10151440-T-TTTC. GRCh37 (hg19) VCF-style: chr19-10262116-T-TTTC.
Other names: c.2220_2222dup (NM_001130823.1); c.2163GAA[5], p.Lys725dup (NM_001318730.2, NM_001379.4); c.1848GAA[5], p.Lys620dup (NM_001318731.2); c.2220_2222dupGAA (NM_001130823.1).
Identifiers: ClinVar variation 657807 (VCV000657807.9), dbSNP rs746346641, ClinGen allele CA9188112.

ClinVar aggregate classification (germline): Uncertain significance. Review status: criteria provided, multiple submitters, no conflicts (2 of 4 stars). 2 submissions from 2 submitters: Uncertain significance (2). Last evaluated 2024-01-30.

Conditions:
Hereditary sensory neuropathy-deafness-dementia syndrome. Also called: Hereditary Sensory and Autonomic Neuropathy Type 1E (HSAN1E); NEUROPATHY, HEREDITARY SENSORY, WITH HEARING LOSS AND DEMENTIA; HSN IE; Hereditary sensory neuropathy type IE. Identifiers: Orphanet 456318, MedGen C3279885, MONDO:0013584, OMIM 614116.

Submissions (2):

GeneDx
Classification: Uncertain significance. Last evaluated: 2024-01-30. Review status: criteria provided, single submitter. Criteria: GeneDx Variant Classification Process June 2021. Collection method: clinical testing. Allele origin: germline. Affected: yes.
Comment: Not observed at significant frequency in large population cohorts (gnomAD); In-frame duplication of 1 amino acid in a non-repeat region; Has not been previously published as pathogenic or benign to our knowledge

Labcorp Genetics (formerly Invitae), Labcorp
Classification: Uncertain significance for Hereditary sensory neuropathy-deafness-dementia syndrome. Last evaluated: 2021-08-11. Review status: criteria provided, single submitter. Criteria: Invitae Variant Classification Sherloc (09022015). Collection method: clinical testing. Allele origin: germline.
Comment: In summary, the available evidence is currently insufficient to determine the role of this variant in disease. Therefore, it has been classified as a Variant of Uncertain Significance. Experimental studies and prediction algorithms are not available for this variant, and the functional significance of the affected amino acid(s) is currently unknown. This variant has not been reported in the literature in individuals with DNMT1-related disease. The frequency data for this variant in the population databases is considered unreliable, as metrics indicate poor data quality at this position in the ExAC database. This variant, c.2220_2222dupGAA, results in the insertion of 1 amino acid(s) to the DNMT1 protein (p.Lys741dup), but otherwise preserves the integrity of the reading frame.